The following is an entry in ClinVar:

NM_000487.6(ARSA):c.71A>C (p.Asn24Thr)

Gene: ARSA (arylsulfatase A; minus strand). Cytogenetic location: 22q13.33.
Variant type: single nucleotide variant.
Coding change: c.71A>C on transcript NM_000487.6 (MANE Select); coding-DNA position 71, A replaced by C.
Protein change: p.Asn24Thr; replaces asparagine 24 with threonine.
Molecular consequence: missense variant. On other transcripts: intron variant (2).
Genome position (GRCh38, 1-based): chr22:50,627,709, T>G on the plus strand (A>C on the coding strand, the complement: ARSA is on the minus strand). VCF-style: chr22-50627709-T-G. GRCh37 (hg19) VCF-style: chr22-51066137-T-G.
Other names: NP_000478.3:p.(Asn24Thr); c.71A>C, p.Asn24Thr (NM_001085425.3, NM_001085426.3, NM_001085427.3); c.-35+282A>C (NM_001362782.2); c.-35+237A>C (NM_001085428.3); short protein forms N24T.
Identifiers: ClinVar variation 4850933 (VCV004850933.2).

ClinVar aggregate classification (germline): Uncertain significance (1 of 4 stars; one submission).

Conditions:
Metachromatic leukodystrophy (MLD). Also called: ARSA DEFICIENCY; CEREBROSIDE SULFATASE DEFICIENCY; METACHROMATIC LEUKOENCEPHALOPATHY; Cerebral sclerosis diffuse metachromatic form; Arylsulfatase A Deficiency; SULFATIDE LIPIDOSIS. Identifiers: Orphanet 512, MedGen C0023522, MONDO:0018868, OMIM 250100.

Submission:

Laboratory of Experimental Gene Therapy of Hereditary Metabolic Diseases, Research Centre for Medical Genetics
Classification: Uncertain significance for Metachromatic leukodystrophy. Last evaluated: 2026-09-17. Review status: criteria provided, single submitter. Criteria: ARSA MLD Assertion Criteria V2 2026 09 18. Collection method: clinical testing. Allele origin: germline. Inheritance: Autosomal recessive inheritance. Observed: 1 variant allele, 1 homozygote.
Comment: Reassessed under ACMG/AMP 2015 with ClinGen SVI refinements and a Bayesian point framework (supporting=1, moderate=2, strong=4, very strong=8; 6-9 points=likely pathogenic; >=10 points=pathogenic). Final score: 3. Evidence applied: PM2_Supporting, PP3_Moderate. Observations from the present referral series were excluded from classification.